The following is an entry in ClinVar:

ClinVar aggregate classification (germline): Uncertain significance (1 of 4 stars; one submission).

gnomAD v4.1: 131 of 1,613,724 alleles (0.0081%); highest among the groups gnomAD compares: East Asian, 0.074%; no homozygotes.

Submission:

Ambry Genetics
Classification: Uncertain significance. Last evaluated: 2026-07-02. Review status: criteria provided, single submitter. Criteria: Ambry Variant Classification Scheme 2023. Collection method: clinical testing. Allele origin: germline.
Comment: The p.R30Q variant (also known as c.89G>A), located in coding exon 1 of the SCG5 gene, results from a G to A substitution at nucleotide position 89. The arginine at codon 30 is replaced by glutamine, an amino acid with highly similar properties. This amino acid position is conserved. In addition, this alteration is predicted to be tolerated by in silico analysis. Based on the available evidence, the clinical significance of this variant remains unclear.

NM_001144757.3(SCG5):c.89G>A (p.Arg30Gln)

Genes: ARHGAP11A-SCG5 (ARHGAP11A-SCG5 readthrough; plus strand), SCG5 (secretogranin V; plus strand). Cytogenetic location: 15q13.3.
Variant type: single nucleotide variant.
Coding change: c.89G>A on transcript NM_001144757.3 (MANE Select); coding-DNA position 89, G replaced by A.
Protein change: p.Arg30Gln; replaces arginine 30 with glutamine.
Molecular consequence: missense variant.
Genome position (GRCh38, 1-based): chr15:32,643,681, G>A. VCF-style: chr15-32643681-G-A. GRCh37 (hg19) VCF-style: chr15-32935882-G-A.
Other names: c.89G>A, p.Arg30Gln (NM_001394278.1, NM_001394279.1, NM_003020.5); c.1331G>A, p.Arg444Gln (NM_001368319.1); short protein forms R30Q, R444Q.
Identifiers: ClinVar variation 5029057 (VCV005029057.1).
Genomic context (GRCh38, chr15:32,643,681, plus strand): 5'-TATCTGGCCTACTGTTTTGGCTGGCATCTGGATGGACTCCAGCATTTGCTTACAGCCCCC[G>A]GACCCCTGACCGGGTCTCAGAAGCAGATATCCAGAGGCTGCTTCATGGTGTTATGGAGCA-3'
Protein context (NP_001138229.1, residues 20-40): GWTPAFAYSP[Arg30Gln]TPDRVSEADI